The following is an entry in ClinVar:

ClinVar aggregate classification (germline): Benign/Likely benign. Review status: criteria provided, multiple submitters, no conflicts (2 of 4 stars). 4 submissions from 4 submitters: Benign (1); Likely benign (3). Last evaluated 2025-09-19.

Conditions:
Familial cancer of breast. Also called: BREAST CANCER, FAMILIAL; Hereditary breast cancer; hereditary breast carcinoma. Identifiers: Orphanet 227535, MedGen C0346153, MONDO:0016419, OMIM 114480. Disease mechanism: loss of function.
Ataxia-telangiectasia syndrome (AT). Also called: LOUIS-BAR SYNDROME; Cerebello-oculocutaneous telangiectasia; Immunodeficiency with ataxia telangiectasia; Ataxia telangiectasia (A-T); Ataxia-telangiectasia, complementation group D; AT, COMPLEMENTATION GROUP C. Identifiers: Orphanet 100, MedGen C0004135, MONDO:0008840, OMIM 208900.
Hereditary cancer-predisposing syndrome. Also called: Neoplastic Syndromes, Hereditary; Tumor predisposition; Hereditary Cancer Syndrome; Hereditary neoplastic syndrome. Identifiers: Orphanet 140162, MedGen C0027672, MeSH D009386, MONDO:0015356.

Allele frequency attached by ClinVar (database versions not stated): gnomAD exomes 0.00002 and 0.00001; ExAC 0.00001.
gnomAD v4.1: 8 of 1,613,076 alleles (0.0005%); highest among the groups gnomAD compares: South Asian, 0.0088%; 1 homozygote.

Submissions (4):

Labcorp Genetics (formerly Invitae), Labcorp
Classification: Likely benign for Ataxia-telangiectasia syndrome. Last evaluated: 2025-09-19. Review status: criteria provided, single submitter. Criteria: Invitae Variant Classification Sherloc (09022015). Collection method: clinical testing. Allele origin: germline.

Center for Genomic Medicine, Rigshospitalet, Copenhagen University Hospital
Classification: Likely benign. Last evaluated: 2025-03-04. Review status: criteria provided, single submitter. Criteria: ACMG Guidelines, 2015. Collection method: clinical testing. Allele origin: germline.

Myriad Genetics, Inc.
Classification: Benign for Familial cancer of breast. Last evaluated: 2024-06-14. Review status: criteria provided, single submitter. Criteria: Myriad Autosomal Dominant, Autosomal Recessive and X-Linked Classification Criteria (2023). Collection method: clinical testing. Allele origin: unknown.
Comment: This variant is considered benign. This variant is a silent/synonymous amino acid change and it is not expected to impact splicing.

Ambry Genetics
Classification: Likely benign for Hereditary cancer-predisposing syndrome. Last evaluated: 2022-10-11. Review status: criteria provided, single submitter. Criteria: Ambry Variant Classification Scheme 2023. Collection method: clinical testing. Allele origin: germline.

NM_000051.4(ATM):c.7563C>T (p.Tyr2521=)

Genes: ATM (ATM serine/threonine kinase; plus strand), C11orf65 (chromosome 11 open reading frame 65; minus strand). Cytogenetic location: 11q22.3.
Variant type: single nucleotide variant.
Coding change: c.7563C>T on transcript NM_000051.4 (MANE Select); coding-DNA position 7563, C replaced by T.
Protein change: p.Tyr2521=; no amino-acid change (tyrosine 2521 retained).
Molecular consequence: synonymous variant. On other transcripts: non-coding transcript variant (1), intron variant (2).
Genome position (GRCh38, 1-based): chr11:108,331,491, C>T. VCF-style: chr11-108331491-C-T. GRCh37 (hg19) VCF-style: chr11-108202218-C-T.
Other names: c.7563C>T, p.Tyr2521= (NM_001351834.2); c.641-22420G>A (NM_001330368.2); c.*38+3729G>A (NM_001351110.2).
Identifiers: ClinVar variation 1552287 (VCV001552287.13), dbSNP rs772228129, ClinGen allele CA6266140.